The following is an entry in ClinVar:

NM_152564.5(VPS13B):c.10270T>G (p.Cys3424Gly)

Gene: VPS13B (vacuolar protein sorting 13 homolog B; plus strand). Cytogenetic location: 8q22.2.
Variant type: single nucleotide variant.
Coding change: c.10270T>G on transcript NM_152564.5 (MANE Select); coding-DNA position 10270, T replaced by G.
Protein change: p.Cys3424Gly; replaces cysteine 3424 with glycine.
Molecular consequence: missense variant.
Genome position (GRCh38, 1-based): chr8:99,853,659, T>G. VCF-style: chr8-99853659-T-G. GRCh37 (hg19) VCF-style: chr8-100865887-T-G.
Other names: c.10345T>G, p.Cys3449Gly (NM_017890.5); short protein forms C3424G, C3449G.
Identifiers: ClinVar variation 1056527 (VCV001056527.7), dbSNP rs2130917061, ClinGen allele CA371781258.
Genomic context (GRCh38, chr8:99,853,659, plus strand): 5'-CCCCTCCCTGGGGAAGAGCCTGTGGCTGCGTTGTTTGAACTTTACTGTGTGGAGATCTGC[T>G]GTGGGGACCTGCAGCTAGACAACCAGCTTTATAACAAGTCCAATTTCCACTTTGCTGTCT-3'
Protein context (NP_689777.3, residues 3414-3434): LFELYCVEIC[Cys3424Gly]GDLQLDNQLY

ClinVar aggregate classification (germline): Uncertain significance (1 of 4 stars; one submission).

Conditions:
Cohen syndrome (COH1). Also called: PEPPER SYNDROME; Cutis verticis gyrata, retinitis pigmentosa, and sensorineural deafness. Identifiers: Orphanet 193, MedGen C0265223, MONDO:0008999, OMIM 216550.

Submission:

Labcorp Genetics (formerly Invitae), Labcorp
Classification: Uncertain significance for Cohen syndrome. Last evaluated: 2022-02-09. Review status: criteria provided, single submitter. Criteria: Invitae Variant Classification Sherloc (09022015). Collection method: clinical testing. Allele origin: germline.
Comment: This sequence change replaces cysteine, which is neutral and slightly polar, with glycine, which is neutral and non-polar, at codon 3449 of the VPS13B protein (p.Cys3449Gly). This variant is not present in population databases (gnomAD no frequency). This variant has not been reported in the literature in individuals affected with VPS13B-related conditions. ClinVar contains an entry for this variant (Variation ID: 1056527). Algorithms developed to predict the effect of missense changes on protein structure and function are either unavailable or do not agree on the potential impact of this missense change (SIFT: "Not Available"; PolyPhen-2: "Benign"; Align-GVGD: "Not Available"). In summary, the available evidence is currently insufficient to determine the role of this variant in disease. Therefore, it has been classified as a Variant of Uncertain Significance.